The following is an entry in ClinVar:

ClinVar aggregate classification (germline): Uncertain significance (1 of 4 stars; one submission).

Allele frequency attached by ClinVar (database versions not stated): gnomAD 0.00001; ExAC 0.00002; gnomAD exomes 0.00007; ESP Exome Variant Server 0.00008; TOPMed 0.00003.
gnomAD v4.1: 95 of 1,602,856 alleles (0.0059%); highest among the groups gnomAD compares: Non-Finnish European, 0.0075%; no homozygotes.

Submission:

Labcorp Genetics (formerly Invitae), Labcorp
Classification: Uncertain significance. Last evaluated: 2022-06-15. Review status: criteria provided, single submitter. Criteria: Invitae Variant Classification Sherloc (09022015). Collection method: clinical testing. Allele origin: germline.
Comment: This sequence change replaces arginine, which is basic and polar, with glutamine, which is neutral and polar, at codon 872 of the MYO5B protein (p.Arg872Gln). The frequency data for this variant in the population databases is considered unreliable, as metrics indicate poor data quality at this position in the gnomAD database. This variant has not been reported in the literature in individuals affected with MYO5B-related conditions. Algorithms developed to predict the effect of missense changes on protein structure and function (SIFT, PolyPhen-2, Align-GVGD) all suggest that this variant is likely to be disruptive. In summary, the available evidence is currently insufficient to determine the role of this variant in disease. Therefore, it has been classified as a Variant of Uncertain Significance.

NM_001080467.3(MYO5B):c.2615G>A (p.Arg872Gln)

Gene: MYO5B (myosin VB; minus strand). Cytogenetic location: 18q21.1.
Variant type: single nucleotide variant.
Coding change: c.2615G>A on transcript NM_001080467.3 (MANE Select); coding-DNA position 2615, G replaced by A.
Protein change: p.Arg872Gln; replaces arginine 872 with glutamine.
Molecular consequence: missense variant.
Genome position (GRCh38, 1-based): chr18:49,902,790, C>T on the plus strand (G>A on the coding strand, the complement: MYO5B is on the minus strand). VCF-style: chr18-49902790-C-T. GRCh37 (hg19) VCF-style: chr18-47429160-C-T.
Other names: short protein forms R872Q.
Identifiers: ClinVar variation 1990529 (VCV001990529.1), dbSNP rs375549243, ClinGen allele CA8960992.